The following is an entry in ClinVar:

ClinVar aggregate classification (germline): Pathogenic. Review status: criteria provided, multiple submitters, no conflicts (2 of 4 stars). 2 submissions from 2 submitters: Pathogenic (2). Last evaluated 2025-10-28.

Conditions:
Leukoencephalopathy, diffuse hereditary, with spheroids 1 (HDLS1). Also called: CSF1R-related adult-onset leukoencephalopathy with axonal spheroids and pigmented glia; DEMENTIA, FAMILIAL, NEUMANN TYPE; SUBCORTICAL GLIOSIS OF NEUMANN. Identifiers: Orphanet 313808, MedGen C5561929, MONDO:0800027, OMIM 221820.

Allele frequency attached by ClinVar (database versions not stated): gnomAD exomes below 0.00001.
gnomAD v4.1: 1 of 1,614,146 alleles (0.000062%); highest among the groups gnomAD compares: Non-Finnish European, 0.000085%; no homozygotes.

Submissions (2):

Victorian Clinical Genetics Services, Murdoch Childrens Research Institute
Classification: Pathogenic for Leukoencephalopathy, diffuse hereditary, with spheroids 1. Last evaluated: 2025-10-28. Review status: criteria provided, single submitter. Criteria: ACMG Guidelines, 2015. Collection method: clinical testing. Allele origin: germline. Affected: yes.
Comment: This variant is classified as Pathogenic. Evidence in support of pathogenic classification: Variant is predicted to cause nonsense-mediated decay (NMD) and loss of protein (premature termination codon is located at least 54 nucleotides upstream of the final exon-exon junction); Variant is present in gnomAD <0.01 (v4: 1 heterozygote(s), 0 homozygote(s)); This variant has limited previous evidence of pathogenicity in an unrelated individual(s). This variant has been classified as pathogenic by a clinical laboratory in ClinVar. It has also been reported in the literature in heterozygous twins with CSF1R-related leukoencephalopathy and their unaffected sister, as well as in a heterozygous fetus with ventriculomegaly and their unaffected father (PMIDs: 31827782, 40935460); Other NMD-predicted variant(s) comparable to the one identified in this case have very strong previous evidence for pathogenicity (DECIPHER). Additional information: This variant is heterozygous; This gene is associated with both recessive and dominant disease (OMIM); Loss of function is a known mechanism of disease in this gene and is associated with brain abnormalities, neurodegeneration, and dysosteosclerosis (MIM#618476). Both haploinsufficiency and a dominant negative mechanism have been reported in association with leukoencephalopathy, diffuse hereditary, with spheroids 1 (MIM#221820; OMIM, PMIDs: 24336230, 31330095, 30982609); The condition associated with this gene has incomplete penetrance. Healthy carriers of pathogenic monoallelic leukoencephalopathy, diffuse hereditary, with spheroids 1 (MIM#221820) variants have been reported who are older than the expected age of onset (PMID: 34145972).

Revvity Omics, Revvity
Classification: Pathogenic. Last evaluated: 2019-12-05. Review status: criteria provided, single submitter. Criteria: ACMG Guidelines, 2015. Collection method: clinical testing. Allele origin: germline.

Literature cited by the submitters: PubMed 34145972 (cited by Victorian Clinical Genetics Services, Murdoch Childrens Research Institute); PubMed 24336230 (cited by Victorian Clinical Genetics Services, Murdoch Childrens Research Institute); PubMed 31330095 (cited by Victorian Clinical Genetics Services, Murdoch Childrens Research Institute); PubMed 31827782 (cited by Victorian Clinical Genetics Services, Murdoch Childrens Research Institute); PubMed 40935460 (cited by Victorian Clinical Genetics Services, Murdoch Childrens Research Institute); PubMed 30982609 (cited by Victorian Clinical Genetics Services, Murdoch Childrens Research Institute).

NM_001288705.3(CSF1R):c.2026C>T (p.Arg676Ter)

Gene: CSF1R (colony stimulating factor 1 receptor; minus strand). Cytogenetic location: 5q32.
Variant type: single nucleotide variant.
Coding change: c.2026C>T on transcript NM_001288705.3 (MANE Select); coding-DNA position 2026, C replaced by T.
Protein change: p.Arg676Ter; replaces arginine 676 with a stop codon.
Molecular consequence: nonsense.
Genome position (GRCh38, 1-based): chr5:150,059,806, G>A on the plus strand (C>T on the coding strand, the complement: CSF1R is on the minus strand). VCF-style: chr5-150059806-G-A. GRCh37 (hg19) VCF-style: chr5-149439369-G-A.
Other names: c.2026C>T, p.Arg676Ter (NM_001349736.2, NM_001375320.1, NM_005211.4); c.1582C>T, p.Arg528Ter (NM_001375321.1); short protein forms R528*, R676*.
Identifiers: ClinVar variation 1322164 (VCV001322164.5), dbSNP rs1757422149, ClinGen allele CA361762105.